The following is an entry in ClinVar:

NC_000023.10:g.(154722157_154736558)_(154842614_?)dup

Gene: TMLHE (trimethyllysine hydroxylase, epsilon; minus strand). Cytogenetic location: Xq28.
Variant type: Duplication.
Identifiers: ClinVar variation 4853083 (VCV004853083.1).

ClinVar aggregate classification (germline): Uncertain significance (1 of 4 stars; one submission).

Submission:

Women's Health and Genetics/Laboratory Corporation of America, LabCorp
Classification: Uncertain significance. Last evaluated: 2026-05-14. Review status: criteria provided, single submitter. Criteria: LabCorp Variant Classification Summary - May 2015. Collection method: clinical testing. Allele origin: germline.
Comment: Variant summary: The variant involves the duplication of exons 1-6 in the TMLHE gene. A presumed nomenclature of c.(?_-163)_(995+1_996-1)dup has been designated for the purposes of this classification. The exact breakpoint at the 5' end of this variant is unknown, therefore this duplication may extend upstream of the annotated region of this gene. It is predicted to duplicate a segment including the initiation codon, therefore its impact on the encoded protein is unknown. The variant was absent in 125186 control chromosomes in the gnomAD database (Structural Variants v4.1 dataset). The available data on variant occurrences in the general population are insufficient to allow any conclusion about variant significance. To our knowledge, no occurrence of c.(?_-163)_(995+1_996-1)dup in individuals affected with TMLHE-related conditions and no experimental evidence demonstrating its impact on protein function have been reported. No submitters have cited clinical-significance assessments for this variant to ClinVar. Based on the evidence outlined above, the variant was classified as uncertain significance.